The following is an entry in ClinVar:

ClinVar aggregate classification (germline): Pathogenic. Review status: criteria provided, multiple submitters, no conflicts (2 of 4 stars). 2 submissions from 2 submitters: Pathogenic (2). Last evaluated 2024-01-31.

Conditions:
Hereditary cancer-predisposing syndrome. Also called: Tumor predisposition; Hereditary neoplastic syndrome; Neoplastic Syndromes, Hereditary; Hereditary Cancer Syndrome. Identifiers: Orphanet 140162, MedGen C0027672, MeSH D009386, MONDO:0015356.
Microcephaly, normal intelligence and immunodeficiency (NBS). Also called: BERLIN BREAKAGE SYNDROME; Immunodeficiency, microcephaly with normal intelligence; Ataxia telangiectasia variant V1; SEEMANOVA SYNDROME II; Nijmegen breakage syndrome; Microcephaly with normal intelligence immunodeficiency and lymphoreticular malignancies. Identifiers: Orphanet 647, MedGen C0398791, MONDO:0009623, OMIM 251260.

Submissions (2):

Labcorp Genetics (formerly Invitae), Labcorp
Classification: Pathogenic for Microcephaly, normal intelligence and immunodeficiency. Last evaluated: 2024-01-31. Review status: criteria provided, single submitter. Criteria: Invitae Variant Classification Sherloc (09022015). Collection method: clinical testing. Allele origin: germline.
Comment: This sequence change creates a premature translational stop signal (p.Ser661*) in the NBN gene. It is expected to result in an absent or disrupted protein product. Loss-of-function variants in NBN are known to be pathogenic (PMID: 9590180, 16415040). This variant is not present in population databases (gnomAD no frequency). This variant has not been reported in the literature in individuals affected with NBN-related conditions. ClinVar contains an entry for this variant (Variation ID: 1384633). For these reasons, this variant has been classified as Pathogenic.

Ambry Genetics
Classification: Pathogenic for Hereditary cancer-predisposing syndrome. Last evaluated: 2023-09-27. Review status: criteria provided, single submitter. Criteria: Ambry Variant Classification Scheme 2023. Collection method: clinical testing. Allele origin: germline.
Comment: The p.S661* pathogenic mutation (also known as c.1982C>G), located in coding exon 13 of the NBN gene, results from a C to G substitution at nucleotide position 1982. This changes the amino acid from a serine to a stop codon within coding exon 13. This variant is considered to be rare based on population cohorts in the Genome Aggregation Database (gnomAD). This alteration is expected to result in loss of function by premature protein truncation or nonsense-mediated mRNA decay. As such, this alteration is interpreted as a disease-causing mutation.

Literature cited by the submitters: PubMed 9590180 (cited by Labcorp Genetics (formerly Invitae), Labcorp); PubMed 16415040 (cited by Labcorp Genetics (formerly Invitae), Labcorp).

NM_002485.5(NBN):c.1982C>G (p.Ser661Ter)

Gene: NBN (nibrin; minus strand). Cytogenetic location: 8q21.3.
Variant type: single nucleotide variant.
Coding change: c.1982C>G on transcript NM_002485.5 (MANE Select); coding-DNA position 1982, C replaced by G.
Protein change: p.Ser661Ter; replaces serine 661 with a stop codon.
Molecular consequence: nonsense.
Genome position (GRCh38, 1-based): chr8:89,946,228, G>C on the plus strand (C>G on the coding strand, the complement: NBN is on the minus strand). VCF-style: chr8-89946228-G-C. GRCh37 (hg19) VCF-style: chr8-90958456-G-C.
Other names: c.1982C>G (NM_002485.4); c.1736C>G, p.Ser579Ter (NM_001024688.3); short protein forms S579*, S661*.
Identifiers: ClinVar variation 1384633 (VCV001384633.7), dbSNP rs1810183784, ClinGen allele CA371676512.